The following is an entry in ClinVar:

ClinVar aggregate classification (germline): Conflicting classifications of pathogenicity. Review status: criteria provided, conflicting classifications (1 of 4 stars). 3 submissions from 2 submitters: Uncertain significance (2); Benign (1). Last evaluated 2018-01-12.

Conditions:
Familial hyperinsulinism. Also called: Congenital hyperinsulinism. Identifiers: Orphanet 276525, MedGen C3888018, MONDO:0017182. Disease mechanism: loss of function.
Maturity-onset diabetes of the young type 1. Also called: MILD JUVENILE DIABETES MELLITUS; MODY, type I; MODY type 1; Diabetes mellitus MODY type 1; MODY HNF4A related; HNF4A-Related Maturity-Onset Diabetes of the Young Type 1. Identifiers: Orphanet 552, MedGen C1852093, MONDO:0007452, OMIM 125850. Disease mechanism: loss of function.
Maturity-onset diabetes of the young (MODY). Also called: Maturity onset diabetes mellitus in young. Identifiers: Orphanet 552, MedGen C0342276, MONDO:0018911, HP:0004904.

Allele frequency attached by ClinVar (database versions not stated): gnomAD 0.00014.
gnomAD v4.1: 21 of 152,110 alleles (0.014%); highest among the groups gnomAD compares: Non-Finnish European, 0.0015%; no homozygotes.

Submissions (3):

Illumina Laboratory Services, Illumina
Classification: Uncertain significance for Familial hyperinsulinism. Last evaluated: 2018-01-12. Review status: criteria provided, single submitter. Criteria: ICSL Variant Classification Criteria 13 December 2019. Collection method: clinical testing. Allele origin: germline.

Illumina Laboratory Services, Illumina
Classification: Uncertain significance for Maturity-onset diabetes of the young type 1. Last evaluated: 2018-01-12. Review status: criteria provided, single submitter. Criteria: ICSL Variant Classification Criteria 13 December 2019. Collection method: clinical testing. Allele origin: germline.

Clinical Genomics, Uppaluri K&H Personalized Medicine Clinic
Classification: Benign for Maturity-onset diabetes of the young. Review status: criteria provided, single submitter. Criteria: K & H Uppaluri Personalized Medicine Clinic Variant Classification & Assertion Criteria_Updated V.1. Collection method: research. Allele origin: unknown. Inheritance: Autosomal dominant inheritance.
Comment: Potent mutations in HNF4A are associated with poor insulin secretion in response to hyperglycemia. Associated with MODY1. Patients initially respond well to sulfonylureas but eventually become insulin dependent. However, more evidence is required to ascertain the role of this particular variant rs753843962 in MODY, yet.

Literature cited by the submitters: DOI 10.1159/000334532 (cited by Clinical Genomics, Uppaluri K&H Personalized Medicine Clinic); PubMed 18268044 (cited by Clinical Genomics, Uppaluri K&H Personalized Medicine Clinic); PubMed 17563455 (cited by Clinical Genomics, Uppaluri K&H Personalized Medicine Clinic); PubMed 32583173 (cited by Clinical Genomics, Uppaluri K&H Personalized Medicine Clinic); PubMed 35052457 (cited by Clinical Genomics, Uppaluri K&H Personalized Medicine Clinic); PubMed 35118593 (cited by Clinical Genomics, Uppaluri K&H Personalized Medicine Clinic).

NM_175914.5(HNF4A):c.*3068C>T

Gene: HNF4A (hepatocyte nuclear factor 4 alpha; plus strand). Cytogenetic location: 20q13.12.
Variant type: single nucleotide variant.
Coding change: c.*3068C>T on transcript NM_175914.5 (MANE Select); 3068 bases downstream of the stop codon, C replaced by T.
Molecular consequence: 3 prime UTR variant.
Genome position (GRCh38, 1-based): chr20:44,432,733, C>T. VCF-style: chr20-44432733-C-T. GRCh37 (hg19) VCF-style: chr20-43061373-C-T.
Other names: c.*3068C>T (NM_000457.6, NM_001030003.3, NM_001258355.2 and 3 more transcripts).
Identifiers: ClinVar variation 338493 (VCV000338493.6), dbSNP rs753843962, ClinGen allele CA10652546.